The following is an entry in ClinVar:

NM_003482.4(KMT2D):c.6275A>G (p.Asp2092Gly)

Gene: KMT2D (lysine methyltransferase 2D; minus strand). Cytogenetic location: 12q13.12.
Variant type: single nucleotide variant.
Coding change: c.6275A>G on transcript NM_003482.4 (MANE Select); coding-DNA position 6275, A replaced by G.
Protein change: p.Asp2092Gly; replaces aspartic acid 2092 with glycine.
Molecular consequence: missense variant.
Genome position (GRCh38, 1-based): chr12:49,041,495, T>C on the plus strand (A>G on the coding strand, the complement: KMT2D is on the minus strand). VCF-style: chr12-49041495-T-C. GRCh37 (hg19) VCF-style: chr12-49435278-T-C.
Other names: short protein forms D2092G.
Identifiers: ClinVar variation 2158602 (VCV002158602.4), dbSNP rs2120547835, ClinGen allele CA384751551.

ClinVar aggregate classification (germline): Uncertain significance (1 of 4 stars; one submission).

Conditions:
Kabuki syndrome. Also called: NIIKAWA-KUROKI SYNDROME; Kabuki make-up syndrome. Identifiers: Orphanet 2322, MedGen C0796004, MONDO:0016512.

Submission:

Labcorp Genetics (formerly Invitae), Labcorp
Classification: Uncertain significance for Kabuki syndrome. Last evaluated: 2022-09-22. Review status: criteria provided, single submitter. Criteria: Invitae Variant Classification Sherloc (09022015). Collection method: clinical testing. Allele origin: germline.
Comment: In summary, the available evidence is currently insufficient to determine the role of this variant in disease. Therefore, it has been classified as a Variant of Uncertain Significance. Advanced modeling of protein sequence and biophysical properties (such as structural, functional, and spatial information, amino acid conservation, physicochemical variation, residue mobility, and thermodynamic stability) performed at Invitae indicates that this missense variant is not expected to disrupt KMT2D protein function. This variant has not been reported in the literature in individuals affected with KMT2D-related conditions. This variant is not present in population databases (gnomAD no frequency). This sequence change replaces aspartic acid, which is acidic and polar, with glycine, which is neutral and non-polar, at codon 2092 of the KMT2D protein (p.Asp2092Gly).